The following is an entry in ClinVar:

NM_006206.6(PDGFRA):c.1338G>C (p.Glu446Asp)

Gene: PDGFRA (platelet derived growth factor receptor alpha; plus strand). Cytogenetic location: 4q12.
Variant type: single nucleotide variant.
Coding change: c.1338G>C on transcript NM_006206.6 (MANE Select); coding-DNA position 1338, G replaced by C.
Protein change: p.Glu446Asp; replaces glutamic acid 446 with aspartic acid.
Molecular consequence: missense variant.
Genome position (GRCh38, 1-based): chr4:54,272,494, G>C. VCF-style: chr4-54272494-G-C. GRCh37 (hg19) VCF-style: chr4-55138661-G-C.
Other names: c.1338G>C, p.Glu446Asp (NM_001347827.2, NM_001347829.2); c.1413G>C, p.Glu471Asp (NM_001347828.2); c.1377G>C, p.Glu459Asp (NM_001347830.2); short protein forms E471D, E446D, E459D.
Identifiers: ClinVar variation 2832355 (VCV002832355.3), dbSNP rs1723460583, ClinGen allele CA356892335.

ClinVar aggregate classification (germline): Uncertain significance (1 of 4 stars; one submission).

Conditions:
Gastrointestinal stromal tumor. Also called: Gastrointestinal stromal tumor, somatic; Gastrointestinal stroma tumor. Identifiers: Orphanet 44890, MedGen C0238198, MeSH D046152, MONDO:0011719, OMIM 606764, HP:0100723.

Allele frequency attached by ClinVar (database versions not stated): gnomAD exomes below 0.00001.
gnomAD v4.1: 1 of 1,614,086 alleles (0.000062%); highest among the groups gnomAD compares: Admixed American, 0.0017%; no homozygotes.

Submission:

Labcorp Genetics (formerly Invitae), Labcorp
Classification: Uncertain significance for Gastrointestinal stromal tumor. Last evaluated: 2023-01-27. Review status: criteria provided, single submitter. Criteria: Invitae Variant Classification Sherloc (09022015). Collection method: clinical testing. Allele origin: germline.
Comment: This sequence change replaces glutamic acid, which is acidic and polar, with aspartic acid, which is acidic and polar, at codon 446 of the PDGFRA protein (p.Glu446Asp). This variant is not present in population databases (gnomAD no frequency). This variant has not been reported in the literature in individuals affected with PDGFRA-related conditions. Advanced modeling of protein sequence and biophysical properties (such as structural, functional, and spatial information, amino acid conservation, physicochemical variation, residue mobility, and thermodynamic stability) performed at Invitae indicates that this missense variant is not expected to disrupt PDGFRA protein function. In summary, the available evidence is currently insufficient to determine the role of this variant in disease. Therefore, it has been classified as a Variant of Uncertain Significance.